The following is an entry in ClinVar:

NM_000334.4(SCN4A):c.766C>T (p.Leu256Phe)

Gene: SCN4A (sodium voltage-gated channel alpha subunit 4; minus strand). Cytogenetic location: 17q23.3.
Variant type: single nucleotide variant.
Coding change: c.766C>T on transcript NM_000334.4 (MANE Select); coding-DNA position 766, C replaced by T.
Protein change: p.Leu256Phe; replaces leucine 256 with phenylalanine.
Molecular consequence: missense variant.
Genome position (GRCh38, 1-based): chr17:63,968,293, G>A on the plus strand (C>T on the coding strand, the complement: SCN4A is on the minus strand). VCF-style: chr17-63968293-G-A. GRCh37 (hg19) VCF-style: chr17-62045653-G-A.
Other names: short protein forms L256F.
Identifiers: ClinVar variation 1518386 (VCV001518386.11), dbSNP rs764694733, ClinGen allele CA8710043.
Genomic context (GRCh38, chr17:63,968,293, plus strand): 5'-GGTTTCCCATGAAGAGCTGCAGTCCTACCAGCGCAAAGACGCTCAGGCAGAAGACAGTGA[G>A]GATCATCACATCCGACAGCTTTTTCACCGACTGGATCAGGGCCCCCACGATCGTCTTCAG-3'
Protein context (NP_000325.4, residues 246-266): SVKKLSDVMI[Leu256Phe]TVFCLSVFAL

ClinVar aggregate classification (germline): Uncertain significance. Review status: criteria provided, multiple submitters, no conflicts (2 of 4 stars). 4 submissions from 4 submitters: Uncertain significance (4). Last evaluated 2026-05-05.

Conditions:
Inborn genetic diseases. Identifiers: MedGen C0950123, MeSH D030342.
Hyperkalemic periodic paralysis. Also called: Familial hyperkalemic periodic paralysis; Gamstorp disease. Identifiers: Orphanet 682, MedGen C0238357, MONDO:0008224, OMIM 170500, HP:0007215.
Paramyotonia congenita of Von Eulenburg. Also called: PARALYSIS PERIODICA PARAMYOTONICA; Paramyotonia Congenita; Eulenburg disease; Myotonia congenita intermittens; Von Eulenburg paramyotonia congenita. Identifiers: Orphanet 684, MedGen C0221055, MONDO:0008195, OMIM 168300. Disease mechanism: loss of function.
Hypokalemic periodic paralysis, type 1. Also called: HypoPP; Hypokalemic Periodic Paralysis Type 1 (AD). Identifiers: Orphanet 681, MedGen C3714580, MONDO:0042979, OMIM 170400.
Hypokalemic periodic paralysis, type 2 (HOKPP2). Identifiers: Orphanet 681, MedGen C2750061, MONDO:0013234, OMIM 613345.
Potassium-aggravated myotonia. Also called: MYOTONIA CONGENITA, ACETAZOLAMIDE-RESPONSIVE; MYOTONIA CONGENITA, ATYPICAL; SODIUM CHANNEL MUSCLE DISEASE; Myotonia congenita, atypical, acetazolamide-responsive. Identifiers: Orphanet 612, Orphanet 99734, Orphanet 99735, Orphanet 99736, MedGen C2931826, MONDO:0018959, OMIM 608390.
Congenital myasthenic syndrome 16. Identifiers: Orphanet 590, MedGen C3280112, MONDO:0013620, OMIM 614198.

Allele frequency attached by ClinVar (database versions not stated): gnomAD exomes 0.00001 and 0.00002; ExAC 0.00001; TOPMed 0.00001.
gnomAD v4.1: 6 of 1,611,948 alleles (0.00037%); highest among the groups gnomAD compares: Admixed American, 0.01%; no homozygotes.

Submissions (4):

Ambry Genetics
Classification: Uncertain significance for Inborn genetic diseases. Last evaluated: 2026-05-05. Review status: criteria provided, single submitter. Criteria: Ambry Variant Classification Scheme 2023. Collection method: clinical testing. Allele origin: germline.

Labcorp Genetics (formerly Invitae), Labcorp
Classification: Uncertain significance for Hyperkalemic periodic paralysis. Last evaluated: 2025-06-17. Review status: criteria provided, single submitter. Criteria: Invitae Variant Classification Sherloc (09022015). Collection method: clinical testing. Allele origin: germline.
Comment: This sequence change replaces leucine, which is neutral and non-polar, with phenylalanine, which is neutral and non-polar, at codon 256 of the SCN4A protein (p.Leu256Phe). This variant is present in population databases (rs764694733, gnomAD 0.01%). This variant has not been reported in the literature in individuals affected with SCN4A-related conditions. ClinVar contains an entry for this variant (Variation ID: 1518386). Invitae Evidence Modeling of protein sequence and biophysical properties (such as structural, functional, and spatial information, amino acid conservation, physicochemical variation, residue mobility, and thermodynamic stability) indicates that this missense variant is expected to disrupt SCN4A protein function with a positive predictive value of 80%. In summary, the available evidence is currently insufficient to determine the role of this variant in disease. Therefore, it has been classified as a Variant of Uncertain Significance.

Athena Diagnostics
Classification: Uncertain significance. Last evaluated: 2023-08-29. Review status: criteria provided, single submitter. Criteria: Athena Diagnostics Criteria. Collection method: clinical testing. Allele origin: unknown.
Comment: Available data are insufficient to determine the clinical significance of the variant at this time. The frequency of this variant in the general population is higher than would generally be expected for pathogenic variants in this gene. Computational tools predict that this variant is damaging.

Fulgent Genetics
Classification: Uncertain significance for Paramyotonia congenita of Von Eulenburg; Hypokalemic periodic paralysis, type 1; Hyperkalemic periodic paralysis; Potassium-aggravated myotonia; Hypokalemic periodic paralysis, type 2; Congenital myasthenic syndrome 16. Last evaluated: 2021-11-09. Review status: criteria provided, single submitter. Criteria: ACMG Guidelines, 2015. Collection method: clinical testing. Allele origin: unknown.